The following is an entry in ClinVar:

ClinVar aggregate classification (germline): Pathogenic. Review status: criteria provided, multiple submitters, no conflicts (2 of 4 stars). 5 submissions from 5 submitters: Pathogenic (5). Last evaluated 2025-09-15.

Conditions:
Hereditary leiomyomatosis and renal cell cancer. Also called: Reed syndrome; Multiple cutaneous and uterine leiomyomatosis; Cutaneous leiomyomata with uterine leiomyomata; Leiomyoma, hereditary multiple, of skin; Multiple cutaneous and uterine leiomyomata; Multiple cutaneous leiomyomas. Identifiers: Orphanet 523, MedGen C1708350, MONDO:0007888, OMIM 150800, HP:0007437. Disease mechanism: loss of function.
Fumarase deficiency (FMRD). Also called: Fumarate Hydratase Deficiency; Fumaric aciduria. Identifiers: Orphanet 24, MedGen C0342770, MONDO:0011730, OMIM 606812.
Hereditary cancer-predisposing syndrome. Also called: Neoplastic Syndromes, Hereditary; Hereditary Cancer Syndrome; Hereditary neoplastic syndrome; Tumor predisposition. Identifiers: Orphanet 140162, MedGen C0027672, MeSH D009386, MONDO:0015356.

Submissions (5):

Natera, Inc.
Classification: Pathogenic for Fumarase Deficiency. Last evaluated: 2025-09-15. Review status: criteria provided, single submitter. Criteria: Natera Variant Classification Schema (03/2026). Collection method: clinical testing. Allele origin: germline.
Comment: The c.1240A>T variant in FH is a nonsense variant predicted to introduce a stop codon at amino acid 414. This variant is expected to result in nonsense mediated decay, truncation, or a dysfunctional protein product. This variant is rare in the general population with a frequency below the threshold expected for the associated phenotype(s). Functional studies show that this variant may disrupt protein function (PMID: 31524643). Given the available evidence, this variant is classified as Pathogenic.

Labcorp Genetics (formerly Invitae), Labcorp
Classification: Pathogenic. Last evaluated: 2024-02-07. Review status: criteria provided, single submitter. Criteria: Invitae Variant Classification Sherloc (09022015). Collection method: clinical testing. Allele origin: germline.
Comment: This sequence change creates a premature translational stop signal (p.Lys414*) in the FH gene. It is expected to result in an absent or disrupted protein product. Loss-of-function variants in FH are known to be pathogenic (PMID: 11865300, 21398687). This variant is not present in population databases (gnomAD no frequency). This premature translational stop signal has been observed in individual(s) with FH-related conditions (PMID: 31524643). ClinVar contains an entry for this variant (Variation ID: 818688). For these reasons, this variant has been classified as Pathogenic.

Women's Health and Genetics/Laboratory Corporation of America, LabCorp
Classification: Pathogenic for Hereditary leiomyomatosis and renal cell cancer. Last evaluated: 2022-08-30. Review status: criteria provided, single submitter. Criteria: LabCorp Variant Classification Summary - May 2015. Collection method: clinical testing. Allele origin: germline.
Comment: Variant summary: FH c.1240A>T (p.Lys414X) results in a premature termination codon, predicted to cause a truncation of the encoded protein or absence of the protein due to nonsense mediated decay, which are commonly known mechanisms for disease. The variant was absent in 233054 control chromosomes. c.1240A>T has been reported in the literature in at-least one individual affected with Hereditary Leiomyomatosis And Renal Cell Cancer (example, Lau_2020, Kamihara_2021). To our knowledge, no experimental evidence demonstrating an impact on protein function has been reported. Two clinical diagnostic laboratories have submitted clinical-significance assessments for this variant to ClinVar after 2014 without evidence for independent evaluation. All laboratories classified the variant as pathogenic. Based on the evidence outlined above, the variant was classified as pathogenic.

Quest Diagnostics Nichols Institute San Juan Capistrano
Classification: Pathogenic. Last evaluated: 2022-08-25. Review status: criteria provided, single submitter. Criteria: Quest Diagnostics criteria. Collection method: clinical testing. Allele origin: unknown.
Comment: This nonsense variant causes the premature termination of FH protein synthesis. This variant has not been reported in large, multi-ethnic general populations. In the published literature, the variant has been reported in an individual with FH-deficient renal cell carcinoma (RCC) (PMID: 31524643 (2020)). Based on the available information, this variant is classified as pathogenic.

Ambry Genetics
Classification: Pathogenic for Hereditary cancer-predisposing syndrome. Last evaluated: 2022-04-18. Review status: criteria provided, single submitter. Criteria: Ambry Variant Classification Scheme 2023. Collection method: clinical testing. Allele origin: germline.
Comment: The p.K414* pathogenic mutation (also known as c.1240A>T), located in coding exon 9 of the FH gene, results from an A to T substitution at nucleotide position 1240. This changes the amino acid from a lysine to a stop codon within coding exon 9. This alteration is expected to result in loss of function by premature protein truncation or nonsense-mediated mRNA decay. As such, this alteration is interpreted as a disease-causing mutation.

Literature cited by the submitters: PubMed 31524643 (cited by 4 submitters); PubMed 11865300 (cited by Labcorp Genetics (formerly Invitae), Labcorp); PubMed 21398687 (cited by Labcorp Genetics (formerly Invitae), Labcorp); PubMed 34994643 (cited by Women's Health and Genetics/Laboratory Corporation of America, LabCorp).

NM_000143.4(FH):c.1240A>T (p.Lys414Ter)

Gene: FH (fumarate hydratase; minus strand). Cytogenetic location: 1q43.
Variant type: single nucleotide variant.
Coding change: c.1240A>T on transcript NM_000143.4 (MANE Select); coding-DNA position 1240, A replaced by T.
Protein change: p.Lys414Ter; replaces lysine 414 with a stop codon.
Molecular consequence: nonsense.
Genome position (GRCh38, 1-based): chr1:241,500,587, T>A on the plus strand (A>T on the coding strand, the complement: FH is on the minus strand). VCF-style: chr1-241500587-T-A. GRCh37 (hg19) VCF-style: chr1-241663887-T-A.
Other names: short protein forms K414*.
Identifiers: ClinVar variation 818688 (VCV000818688.12), dbSNP rs1573878145, ClinGen allele CA345436949.